The following is an entry in ClinVar:

ClinVar aggregate classification (germline): Uncertain significance (1 of 4 stars; one submission).

Allele frequency attached by ClinVar (database versions not stated): gnomAD exomes below 0.00001; gnomAD 0.00001.
gnomAD v4.1: 3 of 1,613,902 alleles (0.00019%); highest among the groups gnomAD compares: African/African-American, 0.0013%; no homozygotes.

Submission:

GeneDx
Classification: Uncertain significance. Last evaluated: 2019-07-22. Review status: criteria provided, single submitter. Criteria: GeneDx Variant Classification Process June 2021. Collection method: clinical testing. Allele origin: germline. Affected: yes.
Comment: Not observed in large population cohorts (Lek et al., 2016); In silico analysis, which includes protein predictors and evolutionary conservation, supports that this variant does not alter protein structure/function; Has not been previously published as pathogenic or benign to our knowledge

NM_013352.4(DSE):c.2389T>C (p.Ser797Pro)

Gene: DSE (dermatan sulfate epimerase; plus strand). Cytogenetic location: 6q22.1.
Variant type: single nucleotide variant.
Coding change: c.2389T>C on transcript NM_013352.4 (MANE Select); coding-DNA position 2389, T replaced by C.
Protein change: p.Ser797Pro; replaces serine 797 with proline.
Molecular consequence: missense variant. On other transcripts: 3 prime UTR variant (2), non-coding transcript variant (1).
Genome position (GRCh38, 1-based): chr6:116,436,857, T>C. VCF-style: chr6-116436857-T-C. GRCh37 (hg19) VCF-style: chr6-116758020-T-C.
Other names: c.2389T>C, p.Ser797Pro (NM_001080976.3, NM_001322937.2, NM_001322938.2); c.2446T>C, p.Ser816Pro (NM_001322939.2); c.1828T>C, p.Ser610Pro (NM_001322940.2, NM_001322941.2); c.*1254T>C (NM_001322943.2, NM_001322944.2); c.1390T>C, p.Ser464Pro (NM_001374520.1); c.1354T>C, p.Ser452Pro (NM_001374521.1); short protein forms S452P, S464P, S610P, S797P, S816P.
Identifiers: ClinVar variation 1304819 (VCV001304819.2), dbSNP rs1784193105, ClinGen allele CA365407674.
Genomic context (GRCh38, chr6:116,436,857, plus strand): 5'-CTGCTGAGATTTTCAGATAAGAGACAGACTGAGGAGGCCATTGACAGGATTTTTGCCATA[T>C]CACAGCAACAGCAGCAGCAAAGCAAGTCAAAGAAAAACCGAAGGGCAGGCAAACGCTATA-3'
Protein context (NP_037484.1, residues 787-807): EEAIDRIFAI[Ser797Pro]QQQQQQSKSK